The following is an entry in ClinVar:

NM_024876.4(COQ8B):c.298G>T (p.Val100Leu)

Gene: COQ8B (coenzyme Q8B; minus strand). Cytogenetic location: 19q13.2.
Variant type: single nucleotide variant.
Coding change: c.298G>T on transcript NM_024876.4 (MANE Select); coding-DNA position 298, G replaced by T.
Protein change: p.Val100Leu; replaces valine 100 with leucine.
Molecular consequence: missense variant.
Genome position (GRCh38, 1-based): chr19:40,710,128, C>A on the plus strand (G>T on the coding strand, the complement: COQ8B is on the minus strand). VCF-style: chr19-40710128-C-A. GRCh37 (hg19) VCF-style: chr19-41216033-C-A.
Other names: c.298G>T, p.Val100Leu (NM_001142555.3); short protein forms V100L.
Identifiers: ClinVar variation 1186821 (VCV001186821.11), dbSNP rs745669537, ClinGen allele CA9450462.
Genomic context (GRCh38, chr19:40,710,128, plus strand): 5'-GACGACCTCCTGGCATGGACTTCTTAGCCATCTCGGCCAGTACTCCTAGCCCCAAGCCCA[C>A]AGCCAGTCCTGGAGTGCAAGAGAAGAACATGAGTGCCCGTTTGCCTGGGGTGCCCCCAGC-3'
Protein context (NP_079152.3, residues 90-110): SRLANFGGLA[Val100Leu]GLGLGVLAEM

ClinVar aggregate classification (germline): Conflicting classifications of pathogenicity. Review status: criteria provided, conflicting classifications (1 of 4 stars). 3 submissions from 3 submitters: Uncertain significance (2); Likely benign (1). Last evaluated 2025-09-21.

Conditions:
Inborn genetic diseases. Identifiers: MedGen C0950123, MeSH D030342.

Allele frequency attached by ClinVar (database versions not stated): ExAC 0.00002; gnomAD 0.00004; TOPMed 0.00004.
gnomAD v4.1: 73 of 1,613,994 alleles (0.0045%); highest among the groups gnomAD compares: Admixed American, 0.005%; no homozygotes.

Submissions (3):

Labcorp Genetics (formerly Invitae), Labcorp
Classification: Likely benign. Last evaluated: 2025-09-21. Review status: criteria provided, single submitter. Criteria: Invitae Variant Classification Sherloc (09022015). Collection method: clinical testing. Allele origin: germline.

Ambry Genetics
Classification: Uncertain significance for Inborn genetic diseases. Last evaluated: 2021-11-15. Review status: criteria provided, single submitter. Criteria: Ambry Variant Classification Scheme 2023. Collection method: clinical testing. Allele origin: germline.

GeneDx
Classification: Uncertain significance. Last evaluated: 2020-08-10. Review status: criteria provided, single submitter. Criteria: GeneDx Variant Classification Process June 2021. Collection method: clinical testing. Allele origin: germline. Affected: yes.
Comment: In silico analysis, which includes protein predictors and evolutionary conservation, supports that this variant does not alter protein structure/function; Has not been previously published as pathogenic or benign to our knowledge